The following is an entry in ClinVar:

NM_001844.5(COL2A1):c.969+6T>C

Gene: COL2A1 (collagen type II alpha 1 chain; minus strand). Cytogenetic location: 12q13.11.
Variant type: single nucleotide variant.
Coding change: c.969+6T>C on transcript NM_001844.5 (MANE Select); 6 bases into the intron after coding-DNA position 969, T replaced by C.
Molecular consequence: intron variant.
Genome position (GRCh38, 1-based): chr12:47,993,452, A>G on the plus strand (T>C on the coding strand, the complement: COL2A1 is on the minus strand). VCF-style: chr12-47993452-A-G. GRCh37 (hg19) VCF-style: chr12-48387235-A-G.
Other names: c.762+6T>C (NM_033150.3).
Identifiers: ClinVar variation 510457 (VCV000510457.20), dbSNP rs139163410, ClinGen allele CA6535691.

ClinVar aggregate classification (germline): Conflicting classifications of pathogenicity. Review status: criteria provided, conflicting classifications (1 of 4 stars). 5 submissions from 5 submitters: Uncertain significance (1); Likely benign (3). 1 of the submissions does not count toward it. Last evaluated 2026-01-20.

Conditions:
COL2A1-related disorder. Also called: COL2A1-related condition; COL2A1-related disorders.
Connective tissue disorder. Also called: Connective tissue disease. Identifiers: MedGen C0009782, MONDO:0003900.

Allele frequency attached by ClinVar (database versions not stated): gnomAD exomes 0.00008 and 0.00014; ExAC 0.00019; 1000 Genomes Project 30x 0.00031; 1000 Genomes Project 0.00040; TOPMed 0.00065; gnomAD 0.00074 and 0.00081; ESP Exome Variant Server 0.00085.
gnomAD v4.1: 229 of 1,610,176 alleles (0.014%); highest among the groups gnomAD compares: African/African-American, 0.29%; no homozygotes.

Submissions (5):

Labcorp Genetics (formerly Invitae), Labcorp
Classification: Likely benign. Last evaluated: 2026-01-20. Review status: criteria provided, single submitter. Criteria: Invitae Variant Classification Sherloc (09022015). Collection method: clinical testing. Allele origin: germline.

Blueprint Genetics
Classification: Likely benign. Last evaluated: 2024-07-15. Review status: criteria provided, single submitter. Criteria: ACMG Guidelines, 2015. Collection method: clinical testing. Allele origin: germline.

GeneDx
Classification: Likely benign. Last evaluated: 2020-09-15. Review status: criteria provided, single submitter. Criteria: GeneDx Variant Classification Process June 2021. Collection method: clinical testing. Allele origin: germline. Affected: yes.

Genome Diagnostics Laboratory, The Hospital for Sick Children
Classification: Uncertain significance for Connective tissue disorder. Last evaluated: 2020-05-14. Review status: criteria provided, single submitter. Criteria: ACMG Guidelines, 2015. Collection method: clinical testing. Allele origin: germline.

PreventionGenetics, part of Exact Sciences
Classification: Likely benign for COL2A1-related condition. Last evaluated: 2019-09-23. Review status: no assertion criteria provided. Collection method: clinical testing. Allele origin: germline. Not counted in ClinVar's aggregate classification.
Comment: This variant is classified as likely benign based on ACMG/AMP sequence variant interpretation guidelines (Richards et al. 2015 PMID: 25741868, with internal and published modifications).